The following is an entry in ClinVar:

NM_004859.4(CLTC):c.3766-13_3766-5del

Gene: CLTC (clathrin heavy chain; plus strand). Cytogenetic location: 17q23.1.
Variant type: Deletion.
Coding change: c.3766-13_3766-5del on transcript NM_004859.4 (MANE Select); 13 bases into the intron before coding-DNA position 3766 through 5 bases into the intron before coding-DNA position 3766, 9 bases deleted (ATGTTTATT; older notation c.3766-13_3766-5delATGTTTATT).
Molecular consequence: intron variant.
Genome position (GRCh38, 1-based): chr17:59,682,894-59,682,902, ATGTTTATT deleted. VCF-style (leftmost placement, unchanged base first): chr17-59682893-AATGTTTATT-A. GRCh37 (hg19) VCF-style: chr17-57760254-AATGTTTATT-A.
Other names: c.3778-13_3778-5del (NM_001288653.2).
Identifiers: ClinVar variation 1527930 (VCV001527930.6), dbSNP rs2143595030, ClinGen allele CA2573154437.

ClinVar aggregate classification (germline): Conflicting classifications of pathogenicity. Review status: criteria provided, conflicting classifications (1 of 4 stars). 2 submissions from 2 submitters: Pathogenic (1); Uncertain significance (1). Last evaluated 2023-01-04.

Conditions:
Intellectual developmental disorder, autosomal dominant 56. Also called: Intellectual disability, autosomal dominant 56; MENTAL RETARDATION, AUTOSOMAL DOMINANT 56. Identifiers: MedGen C4693389, MONDO:0030922, OMIM 617854.

Submissions (2):

Provincial Medical Genetics Program of British Columbia, University of British Columbia
Classification: Pathogenic for Intellectual developmental disorder, autosomal dominant 56. Last evaluated: 2023-01-04. Review status: criteria provided, single submitter. Criteria: ACMG Guidelines, 2015. Collection method: clinical testing. Allele origin: maternal. Affected: yes. Observed: 1 variant allele.

Blueprint Genetics
Classification: Uncertain significance. Last evaluated: 2019-10-03. Review status: criteria provided, single submitter. Criteria: ACMG Guidelines, 2015. Collection method: clinical testing. Allele origin: germline.